The following is an entry in ClinVar:

ClinVar aggregate classification (germline): Pathogenic (1 of 4 stars; one submission).

Conditions:
Usher syndrome type 1 (USH1). Also called: RETINITIS PIGMENTOSA AND CONGENITAL DEAFNESS. Identifiers: Orphanet 231169, Orphanet 886, MedGen C1568247, MONDO:0010168, OMIM 276900.

Submission:

Myriad Genetics, Inc.
Classification: Pathogenic for Usher syndrome type 1. Last evaluated: 2023-09-27. Review status: criteria provided, single submitter. Criteria: Myriad Autosomal Dominant, Autosomal Recessive and X-Linked Classification Criteria (2023). Collection method: clinical testing. Allele origin: unknown.
Comment: NM_000260.3(MYO7A):c.818dupG(Q274Pfs*4) is expected to be pathogenic in the context of MYO7A-related disorders. This variant is predicted to lead to an abnormal or absent protein product due to the creation of a premature termination codon in MYO7A, a gene where loss-of-function variants are known to be pathogenic. Please note: this variant was assessed in the context of healthy population screening.

NM_000260.4(MYO7A):c.818dup (p.Gln274fs)

Gene: MYO7A (myosin VIIA; plus strand). Cytogenetic location: 11q13.5.
Variant type: Duplication.
Coding change: c.818dup on transcript NM_000260.4 (MANE Select); coding-DNA position 818, one base duplicated (G; older notation c.818dupG).
Protein change: p.Gln274fs; shifts the reading frame from glutamine 274.
Molecular consequence: frameshift variant.
Genome position (GRCh38, 1-based): chr11:77,157,361, G duplicated; the last of 3 consecutive G bases (chr11:77,157,359-77,157,361); duplicating any one gives the same sequence. VCF-style (leftmost placement, unchanged base first): chr11-77157358-T-TG. GRCh37 (hg19) VCF-style: chr11-76868404-T-TG.
Other names: c.818dup, p.Gln274fs (NM_001127180.2); c.785dup, p.Gln263fs (NM_001369365.1); short protein forms Q263fs, Q274fs.
Identifiers: ClinVar variation 5012247 (VCV005012247.1).